The following is an entry in ClinVar:

NM_181672.3(OGT):c.2102A>G (p.His701Arg)

Gene: OGT (O-linked N-acetylglucosamine (GlcNAc) transferase; plus strand). Cytogenetic location: Xq13.1.
Variant type: single nucleotide variant.
Coding change: c.2102A>G on transcript NM_181672.3 (MANE Select); coding-DNA position 2102, A replaced by G.
Protein change: p.His701Arg; replaces histidine 701 with arginine.
Molecular consequence: missense variant.
Genome position (GRCh38, 1-based): chrX:71,562,971, A>G. VCF-style: chrX-71562971-A-G. GRCh37 (hg19) VCF-style: chrX-70782821-A-G.
Other names: c.2072A>G, p.His691Arg (NM_181673.3); short protein forms H691R, H701R.
Identifiers: ClinVar variation 2660885 (VCV002660885.24), dbSNP rs1345330695, ClinGen allele CA413562930.

ClinVar aggregate classification (germline): Uncertain significance (1 of 4 stars; one submission).

Submission:

CeGaT Center for Human Genetics Tuebingen
Classification: Uncertain significance. Last evaluated: 2023-07-01. Review status: criteria provided, single submitter. Criteria: CeGaT Center For Human Genetics Tuebingen Variant Classification Criteria Version 2. Collection method: clinical testing. Allele origin: germline. Affected: yes. Observed: 1 variant allele.
Comment: OGT: PP2